The following is an entry in ClinVar:

ClinVar aggregate classification (germline): Pathogenic (1 of 4 stars; one submission).

Conditions:
Joubert syndrome 3 (JBTS3). Also called: AHI1-related Ciliopathy. Identifiers: Orphanet 220493, MedGen C1837713, MONDO:0012078, OMIM 608629.

Submission:

Myriad Genetics, Inc.
Classification: Pathogenic for Joubert syndrome 3. Last evaluated: 2025-08-19. Review status: criteria provided, single submitter. Criteria: Myriad Autosomal Dominant, Autosomal Recessive and X-Linked Classification Criteria (2023). Collection method: clinical testing. Allele origin: unknown.
Comment: NM_001134831.1(AHI1):c.378_382del5(N126Kfs*20) is expected to be pathogenic in the context of Joubert syndrome, AHI1-related. This variant is predicted to lead to an abnormal or absent protein product due to the creation of a premature termination codon in AHI1, a gene where loss-of-function variants are known to be pathogenic. Please note: this variant was assessed in the context of healthy population screening.

NM_001134831.2(AHI1):c.378_382del (p.Asn126fs)

Gene: AHI1 (Abelson helper integration site 1; minus strand). Cytogenetic location: 6q23.3.
Variant type: Deletion.
Coding change: c.378_382del on transcript NM_001134831.2 (MANE Select); coding-DNA positions 378 to 382, 5 bases deleted (TAAAA; older notation c.378_382delTAAAA).
Protein change: p.Asn126fs; shifts the reading frame from asparagine 126.
Molecular consequence: frameshift variant.
Genome position (GRCh38, 1-based): chr6:135,466,181-135,466,185, TTTTA deleted on the plus strand (TAAAA on the coding strand, the reverse complement: AHI1 is on the minus strand); deleting any 5 consecutive bases within chr6:135,466,181-135,466,188 gives the same sequence; the c. name uses the placement nearest the transcript's 3' end. VCF-style (leftmost placement, unchanged base first): chr6-135466180-TTTTTA-T. GRCh37 (hg19) VCF-style: chr6-135787318-TTTTTA-T.
Other names: c.378_382del, p.Asn126fs (NM_001134830.2, NM_001134832.2, NM_001350503.2 and 2 more transcripts); short protein forms N126fs.
Identifiers: ClinVar variation 5014893 (VCV005014893.1).